The following is an entry in ClinVar:

NM_004006.3(DMD):c.10474G>T (p.Ala3492Ser)

Gene: DMD (dystrophin; minus strand). Cytogenetic location: Xp21.2.
Variant type: single nucleotide variant.
Coding change: c.10474G>T on transcript NM_004006.3 (MANE Select); coding-DNA position 10474, G replaced by T.
Protein change: p.Ala3492Ser; replaces alanine 3492 with serine.
Molecular consequence: missense variant. On other transcripts: intron variant (2).
Genome position (GRCh38, 1-based): chrX:31,169,522, C>A on the plus strand (G>T on the coding strand, the complement: DMD is on the minus strand). VCF-style: chrX-31169522-C-A. GRCh37 (hg19) VCF-style: chrX-31187639-C-A.
Other names: c.10450G>T, p.Ala3484Ser (NM_000109.4); c.10462G>T, p.Ala3488Ser (NM_004009.3); c.10105G>T, p.Ala3369Ser (NM_004010.3); c.6451G>T, p.Ala2151Ser (NM_004011.4); c.6442G>T, p.Ala2148Ser (NM_004012.4); c.3094G>T, p.Ala1032Ser (NM_004013.3, NM_004021.3); c.2287G>T, p.Ala763Ser (NM_004014.3); c.1270G>T, p.Ala424Ser (NM_004015.3, NM_004016.3); and 3 more; short protein forms A3488S, A2148S, A424S, A1032S, A3369S, A3492S, A1019S, A2151S.
Identifiers: ClinVar variation 1357833 (VCV001357833.9), dbSNP rs749781194, ClinGen allele CA412651897.

ClinVar aggregate classification (germline): Uncertain significance (1 of 4 stars; one submission).

Conditions:
Duchenne muscular dystrophy (DMD). Also called: MUSCULAR DYSTROPHY, PSEUDOHYPERTROPHIC PROGRESSIVE, DUCHENNE TYPE; Duchenne Muscular Dystrophy (DMD). Identifiers: Orphanet 98896, MedGen C0013264, MONDO:0010679, OMIM 310200.

gnomAD v4.1: 2 of 1,203,059 alleles (0.00017%); highest among the groups gnomAD compares: Non-Finnish European, 0.00023%; no homozygotes.

Submissions (2):

Labcorp Genetics (formerly Invitae), Labcorp
Classification: Uncertain significance for Duchenne muscular dystrophy. Last evaluated: 2023-08-03. Review status: criteria provided, single submitter. Criteria: Invitae Variant Classification Sherloc (09022015). Collection method: clinical testing. Allele origin: germline.
Comment: This variant is not present in population databases (gnomAD no frequency). This sequence change replaces alanine, which is neutral and non-polar, with serine, which is neutral and polar, at codon 3492 of the DMD protein (p.Ala3492Ser). In summary, the available evidence is currently insufficient to determine the role of this variant in disease. Therefore, it has been classified as a Variant of Uncertain Significance. Advanced modeling of protein sequence and biophysical properties (such as structural, functional, and spatial information, amino acid conservation, physicochemical variation, residue mobility, and thermodynamic stability) performed at Invitae indicates that this missense variant is not expected to disrupt DMD protein function. ClinVar contains an entry for this variant (Variation ID: 1357833). This variant has not been reported in the literature in individuals affected with DMD-related conditions.

Dr. Peter K. Rogan Lab, Western University
No classification provided (evidence only). Condition: Thyroid cancer, nonmedullary, 1. Review status: no classification provided. Collection method: in vitro. Allele origin: not applicable. Functional consequence: skipped exon, retained intron. Not counted in ClinVar's aggregate classification.